The following is an entry in ClinVar:

NM_199420.4(POLQ):c.7748G>C (p.Gly2583Ala)

Gene: POLQ (DNA polymerase theta; minus strand). Cytogenetic location: 3q13.33.
Variant type: single nucleotide variant.
Coding change: c.7748G>C on transcript NM_199420.4 (MANE Select); coding-DNA position 7748, G replaced by C.
Protein change: p.Gly2583Ala; replaces glycine 2583 with alanine.
Molecular consequence: missense variant.
Genome position (GRCh38, 1-based): chr3:121,432,329, C>G on the plus strand (G>C on the coding strand, the complement: POLQ is on the minus strand). VCF-style: chr3-121432329-C-G. GRCh37 (hg19) VCF-style: chr3-121151176-C-G.
Other names: short protein forms G2583A.
Identifiers: ClinVar variation 1760423 (VCV001760423.2), dbSNP rs2546744288, ClinGen allele CA354092500.

ClinVar aggregate classification (germline): Uncertain significance (1 of 4 stars; one submission).

Submission:

Ambry Genetics
Classification: Uncertain significance. Last evaluated: 2022-04-23. Review status: criteria provided, single submitter. Criteria: Ambry Variant Classification Scheme 2023. Collection method: clinical testing. Allele origin: germline.
Comment: The p.G2583A variant (also known as c.7748G>C), located in coding exon 30 of the POLQ gene, results from a G to C substitution at nucleotide position 7748. The glycine at codon 2583 is replaced by alanine, an amino acid with similar properties. This amino acid position is conserved. In addition, the in silico prediction for this alteration is inconclusive. Since supporting evidence is limited at this time, the clinical significance of this alteration remains unclear.